The following is an entry in ClinVar:

ClinVar aggregate classification (germline): Pathogenic/Likely pathogenic. Review status: criteria provided, multiple submitters, no conflicts (2 of 4 stars). 2 submissions from 2 submitters: Pathogenic (1); Likely pathogenic (1). Last evaluated 2023-09-07.

Conditions:
Vici syndrome (VICIS). Identifiers: Orphanet 1493, MedGen C1855772, MONDO:0009452, OMIM 242840.

Submissions (2):

GeneDx
Classification: Likely pathogenic. Last evaluated: 2023-09-07. Review status: criteria provided, single submitter. Criteria: GeneDx Variant Classification Process June 2021. Collection method: clinical testing. Allele origin: germline. Affected: yes.
Comment: Frameshift variant predicted to result in protein truncation or nonsense mediated decay in a gene for which loss-of-function is a known mechanism of disease; Not observed at significant frequency in large population cohorts (gnomAD); Has not been previously published as pathogenic or benign to our knowledge

Labcorp Genetics (formerly Invitae), Labcorp
Classification: Pathogenic for Vici syndrome. Last evaluated: 2023-06-09. Review status: criteria provided, single submitter. Criteria: Invitae Variant Classification Sherloc (09022015). Collection method: clinical testing. Allele origin: germline.
Comment: This variant is present in population databases (rs746036349, gnomAD 0.002%). For these reasons, this variant has been classified as Pathogenic. This variant has not been reported in the literature in individuals affected with EPG5-related conditions. This sequence change creates a premature translational stop signal (p.Leu1067Tyrfs*10) in the EPG5 gene. It is expected to result in an absent or disrupted protein product. Loss-of-function variants in EPG5 are known to be pathogenic (PMID: 23222957, 23674064).

Literature cited by the submitters: PubMed 23222957 (cited by Labcorp Genetics (formerly Invitae), Labcorp); PubMed 23674064 (cited by Labcorp Genetics (formerly Invitae), Labcorp).

NM_020964.3(EPG5):c.3200del (p.Leu1067fs)

Gene: EPG5 (ectopic P-granules 5 autophagy tethering factor; minus strand). Cytogenetic location: 18q21.1.
Variant type: Deletion.
Coding change: c.3200del on transcript NM_020964.3 (MANE Select); coding-DNA position 3200, one base deleted (T; older notation c.3200delT).
Protein change: p.Leu1067fs; shifts the reading frame from leucine 1067.
Molecular consequence: frameshift variant.
Genome position (GRCh38, 1-based): chr18:45,917,718, A deleted on the plus strand (T on the coding strand, the reverse complement: EPG5 is on the minus strand); the first of 3 consecutive A bases (chr18:45,917,718-45,917,720); deleting any one gives the same sequence. VCF-style (leftmost placement, unchanged base first): chr18-45917717-TA-T. GRCh37 (hg19) VCF-style: chr18-43497682-TA-T.
Other names: c.3200del, p.Leu1067fs (NM_001410858.1, NM_001410859.1); short protein forms L1067fs.
Identifiers: ClinVar variation 2580108 (VCV002580108.4), dbSNP rs746036349, ClinGen allele CA8949244.